The following is an entry in ClinVar:

NM_001134831.2(AHI1):c.232A>G (p.Thr78Ala)

Gene: AHI1 (Abelson helper integration site 1; minus strand). Cytogenetic location: 6q23.3.
Variant type: single nucleotide variant.
Coding change: c.232A>G on transcript NM_001134831.2 (MANE Select); coding-DNA position 232, A replaced by G.
Protein change: p.Thr78Ala; replaces threonine 78 with alanine.
Molecular consequence: missense variant.
Genome position (GRCh38, 1-based): chr6:135,466,331, T>C on the plus strand (A>G on the coding strand, the complement: AHI1 is on the minus strand). VCF-style: chr6-135466331-T-C. GRCh37 (hg19) VCF-style: chr6-135787469-T-C.
Other names: c.232A>G, p.Thr78Ala (NM_001134830.2, NM_001134832.2, NM_001350503.2 and 2 more transcripts); short protein forms T78A.
Identifiers: ClinVar variation 1059833 (VCV001059833.10), dbSNP rs754609881, ClinGen allele CA4012868.

ClinVar aggregate classification (germline): Uncertain significance. Review status: criteria provided, multiple submitters, no conflicts (2 of 4 stars). 3 submissions from 3 submitters: Uncertain significance (3). Last evaluated 2025-08-14.

Conditions:
Inborn genetic diseases. Identifiers: MedGen C0950123, MeSH D030342.
Joubert syndrome. Also called: Familial aplasia of the vermis; CEREBELLOPARENCHYMAL DISORDER IV; JOUBERT-BOLTSHAUSER SYNDROME. Identifiers: Orphanet 475, MedGen C5979921, MONDO:0018772.
Joubert syndrome 3 (JBTS3). Also called: AHI1-related Ciliopathy. Identifiers: Orphanet 220493, MedGen C1837713, MONDO:0012078, OMIM 608629.

Allele frequency attached by ClinVar (database versions not stated): gnomAD exomes 0.00003 and 0.00007; ExAC 0.00005; gnomAD 0.00006 and 0.00007.
gnomAD v4.1: 51 of 1,613,794 alleles (0.0032%); highest among the groups gnomAD compares: East Asian, 0.027%; no homozygotes.

Submissions (3):

Ambry Genetics
Classification: Uncertain significance for Inborn genetic diseases. Last evaluated: 2025-08-14. Review status: criteria provided, single submitter. Criteria: Ambry Variant Classification Scheme 2023. Collection method: clinical testing. Allele origin: germline.

Labcorp Genetics (formerly Invitae), Labcorp
Classification: Uncertain significance for Joubert syndrome. Last evaluated: 2024-12-02. Review status: criteria provided, single submitter. Criteria: Invitae Variant Classification Sherloc (09022015). Collection method: clinical testing. Allele origin: germline.
Comment: This sequence change replaces threonine, which is neutral and polar, with alanine, which is neutral and non-polar, at codon 78 of the AHI1 protein (p.Thr78Ala). This variant is present in population databases (rs754609881, gnomAD 0.04%). This variant has not been reported in the literature in individuals affected with AHI1-related conditions. ClinVar contains an entry for this variant (Variation ID: 1059833). Invitae Evidence Modeling of protein sequence and biophysical properties (such as structural, functional, and spatial information, amino acid conservation, physicochemical variation, residue mobility, and thermodynamic stability) indicates that this missense variant is not expected to disrupt AHI1 protein function with a negative predictive value of 95%. In summary, the available evidence is currently insufficient to determine the role of this variant in disease. Therefore, it has been classified as a Variant of Uncertain Significance.

Fulgent Genetics
Classification: Uncertain significance for Joubert syndrome 3. Last evaluated: 2024-05-21. Review status: criteria provided, single submitter. Criteria: ACMG Guidelines, 2015. Collection method: clinical testing. Allele origin: germline.